The following is an entry in ClinVar:

NM_001079520.2(DACT1):c.817G>A (p.Glu273Lys)

Gene: DACT1 (dishevelled binding antagonist of beta catenin 1; plus strand). Cytogenetic location: 14q23.1.
Variant type: single nucleotide variant.
Coding change: c.817G>A on transcript NM_001079520.2 (MANE Select); coding-DNA position 817, G replaced by A.
Protein change: p.Glu273Lys; replaces glutamic acid 273 with lysine.
Molecular consequence: missense variant. On other transcripts: non-coding transcript variant (5).
Genome position (GRCh38, 1-based): chr14:58,645,551, G>A. VCF-style: chr14-58645551-G-A. GRCh37 (hg19) VCF-style: chr14-59112269-G-A.
Other names: c.928G>A, p.Glu310Lys (NM_016651.6); short protein forms E310K, E273K.
Identifiers: ClinVar variation 2366565 (VCV002366565.21), dbSNP rs141135250, ClinGen allele CA7206672.

ClinVar aggregate classification (germline): Conflicting classifications of pathogenicity. Review status: criteria provided, conflicting classifications (1 of 4 stars). 4 submissions from 4 submitters: Uncertain significance (1); Likely benign (2). 1 of the submissions does not count toward it. Last evaluated 2024-07-01.

Conditions:
DACT1-related disorder. Also called: DACT1-related condition.
Townes syndrome (TBS). Also called: Townes-Brocks syndrome. Identifiers: Orphanet 857, MedGen C0265246, MeSH C536974, MONDO:0007142.

Allele frequency attached by ClinVar (database versions not stated): ESP Exome Variant Server 0.00015; gnomAD exomes 0.00017; TOPMed 0.00020; gnomAD 0.00022; ExAC 0.00034.

Submissions (4):

CeGaT Center for Human Genetics Tuebingen
Classification: Likely benign. Last evaluated: 2024-07-01. Review status: criteria provided, single submitter. Criteria: CeGaT Center For Human Genetics Tuebingen Variant Classification Criteria Version 2. Collection method: clinical testing. Allele origin: germline. Affected: yes. Observed: 1 variant allele.
Comment: DACT1: BP4, BS1

Ambry Genetics
Classification: Uncertain significance. Last evaluated: 2024-01-03. Review status: criteria provided, single submitter. Criteria: Ambry Variant Classification Scheme 2023. Collection method: clinical testing. Allele origin: germline.

Department of Pathology and Laboratory Medicine, Sinai Health System
Classification: Likely benign for Townes-Brocks syndrome. Last evaluated: 2021-07-30. Review status: criteria provided, single submitter. Criteria: ACMG Guidelines, 2015. Collection method: research. Allele origin: germline.

PreventionGenetics, part of Exact Sciences
Classification: Benign for DACT1-related condition. Last evaluated: 2019-05-11. Review status: no assertion criteria provided. Collection method: clinical testing. Allele origin: germline. Not counted in ClinVar's aggregate classification.
Comment: This variant is classified as benign based on ACMG/AMP sequence variant interpretation guidelines (Richards et al. 2015 PMID: 25741868, with internal and published modifications).